The following is an entry in ClinVar:

NM_003999.3(OSMR):c.1585+155G>T

Gene: OSMR (oncostatin M receptor; plus strand). Cytogenetic location: 5p13.1.
Variant type: single nucleotide variant.
Coding change: c.1585+155G>T on transcript NM_003999.3 (MANE Select); 155 bases into the intron after coding-DNA position 1585, G replaced by T.
Molecular consequence: intron variant. On other transcripts: synonymous variant (1).
Genome position (GRCh38, 1-based): chr5:38,919,217, G>T. VCF-style: chr5-38919217-G-T. GRCh37 (hg19) VCF-style: chr5-38919319-G-T.
Other names: c.1596G>T, p.Thr532= (NM_001323507.2); c.1588+155G>T (NM_001323506.2); c.1585+155G>T (NM_001323505.2).
Identifiers: ClinVar variation 3035225 (VCV003035225.3), dbSNP rs142334998, ClinGen allele CA3244098.
Genomic context (GRCh38, chr5:38,919,217, plus strand): 5'-TAGGAAGACAAAATGTCTAGTCACTAAACAGTCATTTTCTTTTGGGCCAGGTGTGTCAAC[G>T]TGTTTCAGTGGGACAGTCCCCTCAGTGTGGGGAGAAGGAGACTTCAGCCATGGCTCAGGA-3'

ClinVar aggregate classification (germline): Likely benign. Review status: criteria provided, single submitter (1 of 4 stars). 2 submissions from 2 submitters: Likely benign (1). 1 of the submissions does not count toward it. Last evaluated 2024-09-23.

Conditions:
OSMR-related disorder. Also called: OSMR-related condition.

Allele frequency attached by ClinVar (database versions not stated): ExAC 0.00063; gnomAD 0.00145; 1000 Genomes Project 0.00339; 1000 Genomes Project 30x 0.00359.
gnomAD v4.1: 428 of 1,532,454 alleles (0.028%); highest among the groups gnomAD compares: African/African-American, 0.45%; 2 homozygotes.

Submissions (2):

Blueprint Genetics
Classification: Likely benign. Last evaluated: 2024-09-23. Review status: criteria provided, single submitter. Criteria: ACMG Guidelines, 2015. Collection method: clinical testing. Allele origin: germline.

PreventionGenetics, part of Exact Sciences
Classification: Benign for OSMR-related condition. Last evaluated: 2019-08-09. Review status: no assertion criteria provided. Collection method: clinical testing. Allele origin: germline. Not counted in ClinVar's aggregate classification.
Comment: This variant is classified as benign based on ACMG/AMP sequence variant interpretation guidelines (Richards et al. 2015 PMID: 25741868, with internal and published modifications).